The following is an entry in ClinVar:

ClinVar aggregate classification (germline): Pathogenic (1 of 4 stars; one submission).

Conditions:
RYR1-related disorder. Also called: RYR1-related condition; RYR1-related disorders. Identifiers: MedGen CN239331.

Allele frequency attached by ClinVar (database versions not stated): gnomAD 0.00001.
gnomAD v4.1: 1 of 1,613,904 alleles (0.000062%); highest among the groups gnomAD compares: African/African-American, 0.0013%; no homozygotes.

Submission:

Labcorp Genetics (formerly Invitae), Labcorp
Classification: Pathogenic for RYR1-related disorder. Last evaluated: 2022-12-10. Review status: criteria provided, single submitter. Criteria: Invitae Variant Classification Sherloc (09022015). Collection method: clinical testing. Allele origin: germline.
Comment: For these reasons, this variant has been classified as Pathogenic. This variant has not been reported in the literature in individuals affected with RYR1-related conditions. This variant is not present in population databases (gnomAD no frequency). This sequence change creates a premature translational stop signal (p.Gln3127*) in the RYR1 gene. It is expected to result in an absent or disrupted protein product. Loss-of-function variants in RYR1 are known to be pathogenic (PMID: 20583297, 20839240, 23919265, 28818389).

Literature cited by the submitters: PubMed 20583297; PubMed 20839240; PubMed 23919265; PubMed 28818389.

NM_000540.3(RYR1):c.9379C>T (p.Gln3127Ter)

Gene: RYR1 (ryanodine receptor 1; plus strand). Cytogenetic location: 19q13.2.
Variant type: single nucleotide variant.
Coding change: c.9379C>T on transcript NM_000540.3 (MANE Select); coding-DNA position 9379, C replaced by T.
Protein change: p.Gln3127Ter; replaces glutamine 3127 with a stop codon.
Molecular consequence: nonsense.
Genome position (GRCh38, 1-based): chr19:38,512,390, C>T. VCF-style: chr19-38512390-C-T. GRCh37 (hg19) VCF-style: chr19-39003030-C-T.
Other names: c.9379C>T, p.Gln3127Ter (NM_001042723.2); short protein forms Q3127*.
Identifiers: ClinVar variation 2816246 (VCV002816246.3), dbSNP rs1970771582, ClinGen allele CA405687251.